The following is an entry in ClinVar:

ClinVar aggregate classification (germline): Uncertain significance. Review status: criteria provided, multiple submitters, no conflicts (2 of 4 stars). 2 submissions from 2 submitters: Uncertain significance (2). Last evaluated 2025-07-14.

Conditions:
Inborn genetic diseases. Identifiers: MedGen C0950123, MeSH D030342.
Granulomatous disease, chronic, autosomal recessive, cytochrome b-negative. Also called: CGD DUE TO DEFICIENCY OF THE ALPHA SUBUNIT OF CYTOCHROME b; CGD, AUTOSOMAL RECESSIVE CYTOCHROME b-NEGATIVE; CYBA DEFICIENCY; GRANULOMATOUS DISEASE, CHRONIC, AUTOSOMAL RECESSIVE, 4; Chronic granulomatous disease, autosomal, due to deficiency of CYBA. Identifiers: Orphanet 379, MedGen C1856255, MONDO:0009308, OMIM 233690.

Allele frequency attached by ClinVar (database versions not stated): gnomAD exomes 0.00002; ExAC 0.00036.
gnomAD v4.1: 33 of 1,533,352 alleles (0.0022%); highest among the groups gnomAD compares: South Asian, 0.036%; 1 homozygote.

Submissions (2):

Labcorp Genetics (formerly Invitae), Labcorp
Classification: Uncertain significance for Granulomatous disease, chronic, autosomal recessive, cytochrome b-negative. Last evaluated: 2025-07-14. Review status: criteria provided, single submitter. Criteria: Invitae Variant Classification Sherloc (09022015). Collection method: clinical testing. Allele origin: germline.
Comment: This sequence change replaces alanine, which is neutral and non-polar, with aspartic acid, which is acidic and polar, at codon 163 of the CYBA protein (p.Ala163Asp). This variant is present in population databases (rs756973782, gnomAD 0.06%). This variant has not been reported in the literature in individuals affected with CYBA-related conditions. ClinVar contains an entry for this variant (Variation ID: 2149369). An algorithm developed to predict the effect of missense changes on protein structure and function (PolyPhen-2) suggests that this variant is likely to be disruptive. In summary, the available evidence is currently insufficient to determine the role of this variant in disease. Therefore, it has been classified as a Variant of Uncertain Significance.

Ambry Genetics
Classification: Uncertain significance for Inborn genetic diseases. Last evaluated: 2024-01-04. Review status: criteria provided, single submitter. Criteria: Ambry Variant Classification Scheme 2023. Collection method: clinical testing. Allele origin: germline.

NM_000101.4(CYBA):c.488C>A (p.Ala163Asp)

Gene: CYBA (cytochrome b-245 alpha chain; minus strand). Cytogenetic location: 16q24.2.
Variant type: single nucleotide variant.
Coding change: c.488C>A on transcript NM_000101.4 (MANE Select); coding-DNA position 488, C replaced by A.
Protein change: p.Ala163Asp; replaces alanine 163 with aspartic acid.
Molecular consequence: missense variant.
Genome position (GRCh38, 1-based): chr16:88,643,453, G>T on the plus strand (C>A on the coding strand, the complement: CYBA is on the minus strand). VCF-style: chr16-88643453-G-T. GRCh37 (hg19) VCF-style: chr16-88709861-G-T.
Other names: short protein forms A163D.
Identifiers: ClinVar variation 2149369 (VCV002149369.4), dbSNP rs756973782, ClinGen allele CA8228189.